The following is an entry in ClinVar:

ClinVar aggregate classification (germline): Uncertain significance. Review status: criteria provided, multiple submitters, no conflicts (2 of 4 stars). 2 submissions from 2 submitters: Uncertain significance (2). Last evaluated 2026-04-14.

Conditions:
Familial intrahepatic cholestasis. Identifiers: Orphanet 284385, MedGen CN296401, MONDO:0017290.

gnomAD v4.1: 19 of 1,614,000 alleles (0.0012%); highest among the groups gnomAD compares: African/African-American, 0.0027%; no homozygotes.

Submissions (2):

Genomenon, Inc
Classification: Uncertain significance for Familial intrahepatic cholestasis. Last evaluated: 2026-04-14. Review status: criteria provided, single submitter. Criteria: Genomenon Sequence Variant Interpretation Standards - Updated. Collection method: curation. Allele origin: germline. Affected: yes.
Comment: ABCB4 p.Val192Phe (c.574G>T) is a missense variant that changes the amino acid at residue 192 from Valine to Phenylalanine. This variant has been observed in at least one proband with an ABCB4-related disorder (PMID:35626323). It is absent or not present at a significant frequency in gnomAD. In conclusion, we classify ABCB4 p.Val192Phe (c.574G>T) as a variant of uncertain significance.

Blueprint Genetics
Classification: Uncertain significance. Last evaluated: 2022-09-15. Review status: criteria provided, single submitter. Criteria: ACMG Guidelines, 2015. Collection method: clinical testing. Allele origin: germline.

Literature cited by the submitters: PubMed 35626323 (cited by Genomenon, Inc).

NM_000443.4(ABCB4):c.574G>T (p.Val192Phe)

Gene: ABCB4 (ATP binding cassette subfamily B member 4; minus strand). Cytogenetic location: 7q21.12.
Variant type: single nucleotide variant.
Coding change: c.574G>T on transcript NM_000443.4 (MANE Select); coding-DNA position 574, G replaced by T.
Protein change: p.Val192Phe; replaces valine 192 with phenylalanine.
Molecular consequence: missense variant.
Genome position (GRCh38, 1-based): chr7:87,451,757, C>A on the plus strand (G>T on the coding strand, the complement: ABCB4 is on the minus strand). VCF-style: chr7-87451757-C-A. GRCh37 (hg19) VCF-style: chr7-87081073-C-A.
Other names: c.574G>T, p.Val192Phe (NM_018849.3, NM_018850.3); short protein forms V192F.
Identifiers: ClinVar variation 4846654 (VCV004846654.2).